The following is an entry in ClinVar:

NM_006231.4(POLE):c.320C>T (p.Ala107Val)

Gene: POLE (DNA polymerase epsilon, catalytic subunit; minus strand). Cytogenetic location: 12q24.33.
Variant type: single nucleotide variant.
Coding change: c.320C>T on transcript NM_006231.4 (MANE Select); coding-DNA position 320, C replaced by T.
Protein change: p.Ala107Val; replaces alanine 107 with valine.
Molecular consequence: missense variant.
Genome position (GRCh38, 1-based): chr12:132,680,188, G>A on the plus strand (C>T on the coding strand, the complement: POLE is on the minus strand). VCF-style: chr12-132680188-G-A. GRCh37 (hg19) VCF-style: chr12-133256774-G-A.
Other names: short protein forms A107V.
Identifiers: ClinVar variation 240460 (VCV000240460.14), dbSNP rs878854860, ClinGen allele CA10583031.

ClinVar aggregate classification (germline): Uncertain significance. Review status: criteria provided, multiple submitters, no conflicts (2 of 4 stars). 5 submissions from 5 submitters: Uncertain significance (4). 1 of the submissions does not count toward it. Last evaluated 2026-01-19.

Conditions:
POLE-related disorder. Also called: POLE-related disorders; POLE-related condition.
Hereditary cancer-predisposing syndrome. Also called: Tumor predisposition; Neoplastic Syndromes, Hereditary; Hereditary Cancer Syndrome; Hereditary neoplastic syndrome. Identifiers: Orphanet 140162, MedGen C0027672, MeSH D009386, MONDO:0015356.
Colorectal cancer, susceptibility to, 12 (CRCS12). Also called: COLORECTAL CANCER, SUSCEPTIBILITY TO, ON CHROMOSOME 12q24. Identifiers: Orphanet 220460, MedGen C3554460, MONDO:0014038, OMIM 615083.

Allele frequency attached by ClinVar (database versions not stated): gnomAD exomes below 0.00001 and 0.00001; gnomAD 0.00001; TOPMed 0.00001.
gnomAD v4.1: 21 of 1,613,864 alleles (0.0013%); highest among the groups gnomAD compares: Non-Finnish European, 0.0016%; no homozygotes.

Submissions (5):

Labcorp Genetics (formerly Invitae), Labcorp
Classification: Uncertain significance. Last evaluated: 2026-01-19. Review status: criteria provided, single submitter. Criteria: Invitae Variant Classification Sherloc (09022015). Collection method: clinical testing. Allele origin: germline.
Comment: This sequence change replaces alanine, which is neutral and non-polar, with valine, which is neutral and non-polar, at codon 107 of the POLE protein (p.Ala107Val). This variant is present in population databases (no rsID available, gnomAD no frequency). This variant has not been reported in the literature in individuals affected with POLE-related conditions. ClinVar contains an entry for this variant (Variation ID: 240460). Invitae Evidence Modeling of protein sequence and biophysical properties (such as structural, functional, and spatial information, amino acid conservation, physicochemical variation, residue mobility, and thermodynamic stability) indicates that this missense variant is not expected to disrupt POLE protein function with a negative predictive value of 80%. RNA analysis performed to evaluate the impact of this missense change on mRNA splicing indicates it does not significantly alter splicing (internal data). In summary, the available evidence is currently insufficient to determine the role of this variant in disease. Therefore, it has been classified as a Variant of Uncertain Significance.

Ambry Genetics
Classification: Uncertain significance for Hereditary cancer-predisposing syndrome. Last evaluated: 2024-12-09. Review status: criteria provided, single submitter. Criteria: Ambry Variant Classification Scheme 2023. Collection method: clinical testing. Allele origin: germline.
Comment: The p.A107V variant (also known as c.320C>T), located in coding exon 4 of the POLE gene, results from a C to T substitution at nucleotide position 320. The alanine at codon 107 is replaced by valine, an amino acid with similar properties. This amino acid position is highly conserved in available vertebrate species. In addition, the in silico prediction for this alteration is inconclusive. Based on the available evidence, the clinical significance of this variant remains unclear.

St. Jude Molecular Pathology, St. Jude Children's Research Hospital
Classification: Uncertain significance for Colorectal cancer, susceptibility to, 12. Last evaluated: 2024-02-06. Review status: criteria provided, single submitter. Criteria: St. Jude Assertion Criteria 2020. Collection method: clinical testing. Allele origin: germline.
Comment: The POLE c.320C>T (p.Ala107Val) missense change has an allele frequency of 0.0004% in gnomAD v2.1.1. The in silico tool REVEL predicts a benign effect on protein function, but to our knowledge this prediction has not been confirmed by functional studies. To our knowledge, this variant has not been reported in the literature in individuals with POLE-related disease. In summary, the evidence currently available is insufficient to determine the clinical significance of this variant. It has therefore been classified as of uncertain significance.

GeneDx
Classification: Uncertain significance. Last evaluated: 2022-04-25. Review status: criteria provided, single submitter. Criteria: GeneDx Variant Classification Process June 2021. Collection method: clinical testing. Allele origin: germline. Affected: yes.
Comment: Not observed at significant frequency in large population cohorts (gnomAD); In silico analysis supports that this missense variant does not alter protein structure/function; Has not been previously published as pathogenic or benign to our knowledge

PreventionGenetics, part of Exact Sciences
Classification: Uncertain significance for POLE-related condition. Last evaluated: 2024-01-05. Review status: no assertion criteria provided. Collection method: clinical testing. Allele origin: germline. Not counted in ClinVar's aggregate classification.
Comment: The POLE c.320C>T variant is predicted to result in the amino acid substitution p.Ala107Val. To our knowledge, this variant has not been reported in the literature. This variant is reported in 0.0% of alleles in individuals of African descent in gnomAD. In ClinVar, this variant is interpreted as uncertain. At this time, the clinical significance of this variant is uncertain due to the absence of conclusive functional and genetic evidence.